The following is an entry in ClinVar:

NM_017433.5(MYO3A):c.1174T>C (p.Ser392Pro)

Gene: MYO3A (myosin IIIA; plus strand). Cytogenetic location: 10p12.1.
Variant type: single nucleotide variant.
Coding change: c.1174T>C on transcript NM_017433.5 (MANE Select); coding-DNA position 1174, T replaced by C.
Protein change: p.Ser392Pro; replaces serine 392 with proline.
Molecular consequence: missense variant.
Genome position (GRCh38, 1-based): chr10:26,070,114, T>C. VCF-style: chr10-26070114-T-C. GRCh37 (hg19) VCF-style: chr10-26359043-T-C.
Other names: short protein forms S392P.
Identifiers: ClinVar variation 450770 (VCV000450770.13), dbSNP rs201323717, ClinGen allele CA5444584.

ClinVar aggregate classification (germline): Uncertain significance. Review status: criteria provided, multiple submitters, no conflicts (2 of 4 stars). 5 submissions from 5 submitters: Uncertain significance (5). Last evaluated 2026-08-07.

Conditions:
MYO3A-related disorder. Also called: MYO3A-related condition.
Inborn genetic diseases. Identifiers: MedGen C0950123, MeSH D030342.

Allele frequency attached by ClinVar (database versions not stated): gnomAD exomes 0.00005 and 0.00018; ExAC 0.00012; 1000 Genomes Project 30x 0.00031; gnomAD 0.00034; TOPMed 0.00039; 1000 Genomes Project 0.00040.
gnomAD v4.1: 122 of 1,605,728 alleles (0.0076%); highest among the groups gnomAD compares: Admixed American, 0.2%; no homozygotes.

Submissions (5):

PreventionGenetics, part of Exact Sciences
Classification: Uncertain significance for MYO3A-related condition. Last evaluated: 2026-08-07. Review status: criteria provided, single submitter. Criteria: ACMG Guidelines, 2015. Collection method: clinical testing. Allele origin: germline.
Comment: The MYO3A c.1174T>C variant is predicted to result in the amino acid substitution p.Ser392Pro. To our knowledge, this variant has not been reported in the literature. This variant is reported in 0.13% of alleles in individuals of Latino descent in gnomAD. Although we suspect that this variant may be benign, at this time, the clinical significance of this variant is uncertain due to the absence of conclusive functional and genetic evidence.

Labcorp Genetics (formerly Invitae), Labcorp
Classification: Uncertain significance. Last evaluated: 2025-05-26. Review status: criteria provided, single submitter. Criteria: Invitae Variant Classification Sherloc (09022015). Collection method: clinical testing. Allele origin: germline.
Comment: This sequence change replaces serine, which is neutral and polar, with proline, which is neutral and non-polar, at codon 392 of the MYO3A protein (p.Ser392Pro). This variant is present in population databases (rs201323717, gnomAD 0.1%). This variant has not been reported in the literature in individuals affected with MYO3A-related conditions. ClinVar contains an entry for this variant (Variation ID: 450770). Invitae Evidence Modeling of protein sequence and biophysical properties (such as structural, functional, and spatial information, amino acid conservation, physicochemical variation, residue mobility, and thermodynamic stability) indicates that this missense variant is not expected to disrupt MYO3A protein function with a negative predictive value of 80%. In summary, the available evidence is currently insufficient to determine the role of this variant in disease. Therefore, it has been classified as a Variant of Uncertain Significance.

Ambry Genetics
Classification: Uncertain significance for Inborn genetic diseases. Last evaluated: 2023-08-15. Review status: criteria provided, single submitter. Criteria: Ambry Variant Classification Scheme 2023. Collection method: clinical testing. Allele origin: germline.

GeneDx
Classification: Uncertain significance. Last evaluated: 2020-12-19. Review status: criteria provided, single submitter. Criteria: GeneDx Variant Classification Process June 2021. Collection method: clinical testing. Allele origin: germline. Affected: yes.
Comment: In silico analysis supports that this missense variant has a deleterious effect on protein structure/function; Has not been previously published as pathogenic or benign to our knowledge

Laboratory for Molecular Medicine, Mass General Brigham Personalized Medicine
Classification: Uncertain significance. Last evaluated: 2018-10-09. Review status: criteria provided, single submitter. Criteria: LMM Criteria. Collection method: clinical testing. Allele origin: germline. Observed: 2 variant alleles.
Comment: It has also been identified in 0.13% (45/34322) of La tino chromosomes, including 1 homozygote, by gnomAD and has been reported in ClinVar (Variation ID 450770). Computational pre diction tools and conservation analysis suggest that this variant may impact the protein, though this information is not predictive enough to determine pathogen icity. In summary, the clinical significance of the p.Ser392Pro variant is uncer tain. ACMG/AMP Criteria applied: BS1_Supporting, PP3.